The following is an entry in ClinVar:

ClinVar aggregate classification (germline): Uncertain significance (1 of 4 stars; one submission).

gnomAD v4.1: 2 of 1,211,728 alleles (0.00017%); no homozygotes.

Submission:

GeneDx
Classification: Uncertain significance. Last evaluated: 2024-04-05. Review status: criteria provided, single submitter. Criteria: GeneDx Variant Classification Process June 2021. Collection method: clinical testing. Allele origin: germline. Affected: yes.
Comment: Not observed at significant frequency in large population cohorts (gnomAD); In silico analysis supports that this missense variant has a deleterious effect on protein structure/function; Has not been previously published as pathogenic or benign to our knowledge

NM_004006.3(DMD):c.6812A>G (p.Asn2271Ser)

Gene: DMD (dystrophin; minus strand). Cytogenetic location: Xp21.1.
Variant type: single nucleotide variant.
Coding change: c.6812A>G on transcript NM_004006.3 (MANE Select); coding-DNA position 6812, A replaced by G.
Protein change: p.Asn2271Ser; replaces asparagine 2271 with serine.
Molecular consequence: missense variant. On other transcripts: 5 prime UTR variant (5).
Genome position (GRCh38, 1-based): chrX:31,929,696, T>C on the plus strand (A>G on the coding strand, the complement: DMD is on the minus strand). VCF-style: chrX-31929696-T-C. GRCh37 (hg19) VCF-style: chrX-31947813-T-C.
Other names: c.6788A>G, p.Asn2263Ser (NM_000109.4); c.6800A>G, p.Asn2267Ser (NM_004009.3); c.6443A>G, p.Asn2148Ser (NM_004010.3); c.2789A>G, p.Asn930Ser (NM_004011.4); c.2780A>G, p.Asn927Ser (NM_004012.4); c.-569A>G (NM_004013.3, NM_004020.4, NM_004021.3 and 2 more transcripts); short protein forms N2148S, N2263S, N2267S, N2271S, N927S, N930S.
Identifiers: ClinVar variation 3372114 (VCV003372114.1).